The following is an entry in ClinVar:

NM_001378454.1(ALMS1):c.11668+3A>G

Gene: ALMS1 (ALMS1 centrosome and basal body associated protein; plus strand). Cytogenetic location: 2p13.1.
Variant type: single nucleotide variant.
Coding change: c.11668+3A>G on transcript NM_001378454.1 (MANE Select); 3 bases into the intron after coding-DNA position 11668, A replaced by G.
Molecular consequence: intron variant.
Genome position (GRCh38, 1-based): chr2:73,599,524, A>G. VCF-style: chr2-73599524-A-G. GRCh37 (hg19) VCF-style: chr2-73826651-A-G.
Other names: c.11668+3A>G (NM_015120.4); c.11671+3A>G (NM_015120.4).
Identifiers: ClinVar variation 1351227 (VCV001351227.5), dbSNP rs2104189383, ClinGen allele CA2573135810.

ClinVar aggregate classification (germline): Uncertain significance. Review status: criteria provided, multiple submitters, no conflicts (2 of 4 stars). 2 submissions from 2 submitters: Uncertain significance (2). Last evaluated 2022-01-13.

Conditions:
Cardiovascular phenotype. Identifiers: MedGen CN230736.
Alstrom syndrome (ALMS). Identifiers: Orphanet 64, MedGen C0268425, MONDO:0008763, OMIM 203800.

Submissions (2):

Labcorp Genetics (formerly Invitae), Labcorp
Classification: Uncertain significance for Alstrom syndrome. Last evaluated: 2022-01-13. Review status: criteria provided, single submitter. Criteria: Invitae Variant Classification Sherloc (09022015). Collection method: clinical testing. Allele origin: germline.
Comment: This sequence change falls in intron 17 of the ALMS1 gene. It does not directly change the encoded amino acid sequence of the ALMS1 protein. It affects a nucleotide within the consensus splice site. This variant is not present in population databases (gnomAD no frequency). This variant has not been reported in the literature in individuals affected with ALMS1-related conditions. Variants that disrupt the consensus splice site are a relatively common cause of aberrant splicing (PMID: 17576681, 9536098). Experimental studies and prediction algorithms are not available or were not evaluated, and the effect of this variant on mRNA splicing is currently unknown. In summary, the available evidence is currently insufficient to determine the role of this variant in disease. Therefore, it has been classified as a Variant of Uncertain Significance.

Ambry Genetics
Classification: Uncertain significance for Cardiovascular phenotype. Last evaluated: 2021-01-29. Review status: criteria provided, single submitter. Criteria: Ambry Variant Classification Scheme 2023. Collection method: clinical testing. Allele origin: germline.
Comment: The c.11671+3A>G intronic variant results from an A to G substitution 3 nucleotides after coding exon 17 in the ALMS1 gene. This nucleotide position is highly conserved in available vertebrate species. In silico splice site analysis predicts that this alteration will not have any significant effect on splicing. Since supporting evidence is limited at this time, the clinical significance of this alteration remains unclear.

Literature cited by the submitters: PubMed 17576681 (cited by Labcorp Genetics (formerly Invitae), Labcorp); PubMed 9536098 (cited by Labcorp Genetics (formerly Invitae), Labcorp).